The following is an entry in ClinVar:

NM_003070.5(SMARCA2):c.2438C>T (p.Ser813Phe)

Gene: SMARCA2 (SWI/SNF related BAF chromatin remodeling complex subunit ATPase 2; plus strand). Cytogenetic location: 9p24.3.
Variant type: single nucleotide variant.
Coding change: c.2438C>T on transcript NM_003070.5 (MANE Select); coding-DNA position 2438, C replaced by T.
Protein change: p.Ser813Phe; replaces serine 813 with phenylalanine.
Molecular consequence: missense variant.
Genome position (GRCh38, 1-based): chr9:2,084,108, C>T. VCF-style: chr9-2084108-C-T. GRCh37 (hg19) VCF-style: chr9-2084108-C-T.
Other names: c.2438C>T, p.Ser813Phe (NM_001289396.2, NM_001289397.2, NM_139045.4); short protein forms S813F.
Identifiers: ClinVar variation 3346520 (VCV003346520.1).

ClinVar aggregate classification (germline): Uncertain significance (0 of 4 stars; one submission).

Conditions:
SMARCA2-related disorder. Also called: SMARCA2-related condition.

gnomAD v4.1: 1 of 1,611,466 alleles (0.000062%); highest among the groups gnomAD compares: Non-Finnish European, 0.000085%; no homozygotes.

Submission:

PreventionGenetics, part of Exact Sciences
Classification: Uncertain significance for SMARCA2-related condition. Last evaluated: 2024-06-21. Review status: no assertion criteria provided. Collection method: clinical testing. Allele origin: germline.
Comment: The SMARCA2 c.2438C>T variant is predicted to result in the amino acid substitution p.Ser813Phe. To our knowledge, this variant has not been reported in the literature or in a large population database, indicating this variant is rare. At this time, the clinical significance of this variant is uncertain due to the absence of conclusive functional and genetic evidence.